The following is an entry in ClinVar:

ClinVar aggregate classification (germline): Conflicting classifications of pathogenicity. Review status: criteria provided, conflicting classifications (1 of 4 stars). 5 submissions from 5 submitters: Uncertain significance (4); Likely benign (1). Last evaluated 2025-03-17.

Conditions:
Hereditary breast ovarian cancer syndrome. Also called: Hereditary breast and/or ovarian cancer syndrome; BRCA1- and BRCA2-Associated Hereditary Breast and Ovarian Cancer; Breast and ovarian cancer; Hereditary breast and ovarian cancer; Hereditary breast and ovarian cancer syndrome; Hereditary breast and ovarian cancer syndrome (HBOC). Identifiers: Orphanet 145, MedGen C0677776, MeSH D061325, MONDO:0003582. Disease mechanism: loss of function.
Hereditary cancer-predisposing syndrome. Also called: Hereditary neoplastic syndrome; Tumor predisposition; Hereditary Cancer Syndrome; Neoplastic Syndromes, Hereditary. Identifiers: Orphanet 140162, MedGen C0027672, MeSH D009386, MONDO:0015356.

Allele frequency attached by ClinVar (database versions not stated): gnomAD exomes below 0.00001.
gnomAD v4.1: 1 of 1,613,936 alleles (0.000062%); highest among the groups gnomAD compares: Non-Finnish European, 0.000085%; no homozygotes.

Submissions (5):

Ambry Genetics
Classification: Uncertain significance for Hereditary cancer-predisposing syndrome. Last evaluated: 2025-03-17. Review status: criteria provided, single submitter. Criteria: Ambry Variant Classification Scheme 2023. Collection method: clinical testing. Allele origin: germline.
Comment: The p.F2254L variant (also known as c.6760T>C), located in coding exon 10 of the BRCA2 gene, results from a T to C substitution at nucleotide position 6760. The phenylalanine at codon 2254 is replaced by leucine, an amino acid with highly similar properties. This amino acid position is not well conserved in available vertebrate species. In addition, the in silico prediction for this alteration is inconclusive. Based on the available evidence, the clinical significance of this variant remains unclear.

Labcorp Genetics (formerly Invitae), Labcorp
Classification: Uncertain significance for Hereditary breast ovarian cancer syndrome. Last evaluated: 2023-08-17. Review status: criteria provided, single submitter. Criteria: Invitae Variant Classification Sherloc (09022015). Collection method: clinical testing. Allele origin: germline.
Comment: This sequence change replaces phenylalanine, which is neutral and non-polar, with leucine, which is neutral and non-polar, at codon 2254 of the BRCA2 protein (p.Phe2254Leu). This variant is not present in population databases (gnomAD no frequency). This variant has not been reported in the literature in individuals affected with BRCA2-related conditions. ClinVar contains an entry for this variant (Variation ID: 495489). Advanced modeling of protein sequence and biophysical properties (such as structural, functional, and spatial information, amino acid conservation, physicochemical variation, residue mobility, and thermodynamic stability) performed at Invitae indicates that this missense variant is not expected to disrupt BRCA2 protein function. In summary, the available evidence is currently insufficient to determine the role of this variant in disease. Therefore, it has been classified as a Variant of Uncertain Significance.

University of Washington Department of Laboratory Medicine, University of Washington
Classification: Likely benign for Hereditary cancer-predisposing syndrome. Last evaluated: 2023-03-23. Review status: criteria provided, single submitter. Criteria: Dines et al. (Genet Med. 2020). Collection method: curation. Allele origin: germline.
Comment: Missense variant in a coldspot region where missense variants are very unlikely to be pathogenic (PMID:31911673).

BRCA2 exon 11 coldspot. Reclassification based on statistical prior probability.

ARUP Laboratories, Molecular Genetics and Genomics, ARUP Laboratories
Classification: Uncertain significance. Last evaluated: 2019-05-21. Review status: criteria provided, single submitter. Criteria: ARUP Molecular Germline Variant Investigation Process. Collection method: clinical testing. Allele origin: germline.
Comment: The BRCA2 c.6760T>C; p.Phe2254Leu variant, to our knowledge, is not reported in the medical literature but is reported in ClinVar (Variation ID: 495489). This variant is absent from general population databases (Exome Variant Server, Genome Aggregation Database), indicating it is not a common polymorphism. The phenylalanine at codon 2254 is moderately conserved, and computational analyses (SIFT, PolyPhen-2) predict that this variant is tolerated. Due to limited information, the clinical significance of the p.Phe2254Leu variant is uncertain at this time.

Women's Health and Genetics/Laboratory Corporation of America, LabCorp
Classification: Uncertain significance. Last evaluated: 2016-05-09. Review status: criteria provided, single submitter. Criteria: LabCorp Variant Classification Summary - May 2015. Collection method: clinical testing. Allele origin: germline.
Comment: Variant summary: The BRCA2 c.6760T>C (p.Phe2254Leu) variant involves the alteration of a non-conserved nucleotide. 3/4 in silico tools predict a benign outcome (SNPs&GO not captured due to low reliability index). This variant is absent in 121018 control chromosomes. The variant of interest has not, to our knowledge, been reported in affected individuals via publications and/or reputable databases/clinical diagnostic laboratories; nor evaluated for functional impact by in vivo/vitro studies. Because of the absence of clinical information and the lack of functional studies, the variant was classified as a variant of uncertain significance (VUS) until additional information becomes available.

NM_000059.4(BRCA2):c.6760T>C (p.Phe2254Leu)

Gene: BRCA2 (BRCA2 DNA repair associated; plus strand). Cytogenetic location: 13q13.1.
Variant type: single nucleotide variant.
Coding change: c.6760T>C on transcript NM_000059.4 (MANE Select); coding-DNA position 6760, T replaced by C.
Protein change: p.Phe2254Leu; replaces phenylalanine 2254 with leucine.
Molecular consequence: missense variant.
Genome position (GRCh38, 1-based): chr13:32,341,115, T>C. VCF-style: chr13-32341115-T-C. GRCh37 (hg19) VCF-style: chr13-32915252-T-C.
Other names: short protein forms F2254L.
Identifiers: ClinVar variation 495489 (VCV000495489.19), dbSNP rs1555284847, ClinGen allele CA387791178.